The following is an entry in ClinVar:

NM_006939.4(SOS2):c.970-77A>C

Gene: SOS2 (SOS Ras/Rho guanine nucleotide exchange factor 2; minus strand). Cytogenetic location: 14q21.3.
Variant type: single nucleotide variant.
Coding change: c.970-77A>C on transcript NM_006939.4 (MANE Select); 77 bases into the intron before coding-DNA position 970, A replaced by C.
Molecular consequence: intron variant.
Genome position (GRCh38, 1-based): chr14:50,174,629, T>G on the plus strand (A>C on the coding strand, the complement: SOS2 is on the minus strand). VCF-style: chr14-50174629-T-G. GRCh37 (hg19) VCF-style: chr14-50641347-T-G.
Identifiers: ClinVar variation 561531 (VCV000561531.2), dbSNP rs10782418, ClinGen allele CA13958706.
Genomic context (GRCh38, chr14:50,174,629, plus strand): 5'-TATCACAGTATGTATGTCTCTGACATCAAGGATATGCAACAGCAGTGCCTAACAGAAACG[T>G]CTACTAAAAATTTGAGATACAGACTTATCAAAACTACAACAGAATGCATATTCTATATTG-3'

ClinVar aggregate classification (germline): Benign. Review status: criteria provided, multiple submitters, no conflicts (2 of 4 stars). 2 submissions from 2 submitters: Benign (2). Last evaluated 2018-06-14.

Allele frequency attached by ClinVar (database versions not stated): gnomAD exomes 0.87953; 1000 Genomes Project 0.89257; 1000 Genomes Project 30x 0.89616; gnomAD 0.90589 and 0.91144; TOPMed 0.91574.
gnomAD v4.1: 592,919 of 669,516 alleles (89%); highest among the groups gnomAD compares: African/African-American, 98%; 263,619 homozygotes.

Submissions (2):

GeneDx
Classification: Benign. Last evaluated: 2018-06-14. Review status: criteria provided, single submitter. Criteria: GeneDx Variant Classification (06012015). Collection method: clinical testing. Allele origin: germline. Affected: yes.
Comment: This variant is considered likely benign or benign based on one or more of the following criteria: it is a conservative change, it occurs at a poorly conserved position in the protein, it is predicted to be benign by multiple in silico algorithms, and/or has population frequency not consistent with disease.

Breakthrough Genomics
Classification: Benign. Review status: criteria provided, single submitter. Criteria: ACMG Guidelines, 2015. Collection method: not provided. Allele origin: germline. Inheritance: Autosomal dominant inheritance. Affected: yes.